The following is an entry in ClinVar:

NM_004360.5(CDH1):c.413A>T (p.Glu138Val)

Gene: CDH1 (cadherin 1; plus strand). Cytogenetic location: 16q22.1.
Variant type: single nucleotide variant.
Coding change: c.413A>T on transcript NM_004360.5 (MANE Select); coding-DNA position 413, A replaced by T.
Protein change: p.Glu138Val; replaces glutamic acid 138 with valine.
Molecular consequence: missense variant. On other transcripts: 5 prime UTR variant (2).
Genome position (GRCh38, 1-based): chr16:68,808,449, A>T. VCF-style: chr16-68808449-A-T. GRCh37 (hg19) VCF-style: chr16-68842352-A-T.
Other names: c.413A>T, p.Glu138Val (NM_001317184.2); c.-1203A>T (NM_001317185.2); c.-1407A>T (NM_001317186.2); short protein forms E138V.
Identifiers: ClinVar variation 3488662 (VCV003488662.1).

ClinVar aggregate classification (germline): Uncertain significance (1 of 4 stars; one submission).

Conditions:
Hereditary cancer-predisposing syndrome. Also called: Tumor predisposition; Neoplastic Syndromes, Hereditary; Hereditary Cancer Syndrome; Hereditary neoplastic syndrome. Identifiers: Orphanet 140162, MedGen C0027672, MeSH D009386, MONDO:0015356.

Submission:

Ambry Genetics
Classification: Uncertain significance for Hereditary cancer-predisposing syndrome. Last evaluated: 2024-10-13. Review status: criteria provided, single submitter. Criteria: Ambry Variant Classification Scheme 2023. Collection method: clinical testing. Allele origin: germline.
Comment: The p.E138V variant (also known as c.413A>T), located in coding exon 4 of the CDH1 gene, results from an A to T substitution at nucleotide position 413. The glutamic acid at codon 138 is replaced by valine, an amino acid with dissimilar properties. This amino acid position is conserved. In addition, this alteration is predicted to be tolerated by in silico analysis. Based on the available evidence, the clinical significance of this variant remains unclear.